The following is an entry in ClinVar:

NM_022773.4(LMF1):c.921C>A (p.Asn307Lys)

Gene: LMF1 (lipase maturation factor 1; minus strand). Cytogenetic location: 16p13.3.
Variant type: single nucleotide variant.
Coding change: c.921C>A on transcript NM_022773.4 (MANE Select); coding-DNA position 921, C replaced by A.
Protein change: p.Asn307Lys; replaces asparagine 307 with lysine.
Molecular consequence: missense variant. On other transcripts: non-coding transcript variant (1).
Genome position (GRCh38, 1-based): chr16:871,318, G>T on the plus strand (C>A on the coding strand, the complement: LMF1 is on the minus strand). VCF-style: chr16-871318-G-T. GRCh37 (hg19) VCF-style: chr16-921318-G-T.
Other names: c.270C>A, p.Asn90Lys (NM_001352017.2, NM_001352021.2); c.522C>A, p.Asn174Lys (NM_001352018.2); c.594C>A, p.Asn198Lys (NM_001352019.2); c.921C>A, p.Asn307Lys (NM_001352020.1); short protein forms N174K, N307K, N198K, N90K.
Identifiers: ClinVar variation 3867462 (VCV003867462.2).

ClinVar aggregate classification (germline): Uncertain significance. Review status: criteria provided, single submitter (1 of 4 stars). 2 submissions from 2 submitters: Uncertain significance (1). 1 of the submissions does not count toward it. Last evaluated 2024-12-20.

Conditions:
Lipase deficiency, combined. Also called: LIPOPROTEIN LIPASE DEFICIENCY WITH HEPATIC TRIGLYCERIDE LIPASE DEFICIENCY; LPL AND HL DEFICIENCY; LPL AND HTGL DEFICIENCY. Identifiers: Orphanet 535453, MedGen C1855498, MONDO:0009527, OMIM 246650.
Cardiovascular phenotype. Identifiers: MedGen CN230736.

gnomAD v4.1: 1 of 1,612,466 alleles (0.000062%); highest among the groups gnomAD compares: Middle Eastern, 0.017%; no homozygotes.

Submissions (2):

Ambry Genetics
Classification: Uncertain significance for Cardiovascular phenotype. Last evaluated: 2024-12-20. Review status: criteria provided, single submitter. Criteria: Ambry Variant Classification Scheme 2023. Collection method: clinical testing. Allele origin: germline.
Comment: The p.N307K variant (also known as c.921C>A), located in coding exon 7 of the LMF1 gene, results from a C to A substitution at nucleotide position 921. The asparagine at codon 307 is replaced by lysine, an amino acid with similar properties. This amino acid position is conserved. In addition, the in silico prediction for this alteration is inconclusive. Based on the available evidence, the clinical significance of this variant remains unclear.

Cardiovascular Genetics Laboratory, PathWest Laboratory Medicine WA - Fiona Stanley Hospital
Classification: Uncertain significance for Lipase deficiency, combined. Last evaluated: 2025-08-20. Review status: no assertion criteria provided. Criteria: ACMG Guidelines, 2015. Collection method: clinical testing. Allele origin: germline. Affected: yes. Not counted in ClinVar's aggregate classification.